The following is an entry in ClinVar:

ClinVar aggregate classification (germline): Uncertain significance. Review status: criteria provided, multiple submitters, no conflicts (2 of 4 stars). 4 submissions from 4 submitters: Uncertain significance (3). 1 of the submissions does not count toward it. Last evaluated 2025-08-07.

Conditions:
Inborn genetic diseases. Identifiers: MedGen C0950123, MeSH D030342.
Intellectual disability. Also called: intellectual disabilities; Intellectual developmental disorder; Intellectual functioning disability. Identifiers: MedGen C3714756, MeSH D008607, MONDO:0001071, HP:0001249.

Allele frequency attached by ClinVar (database versions not stated): ExAC 0.00001; gnomAD 0.00001; TOPMed 0.00001.

Submissions (4):

Ambry Genetics
Classification: Uncertain significance for Inborn genetic diseases. Last evaluated: 2025-08-07. Review status: criteria provided, single submitter. Criteria: Ambry Variant Classification Scheme 2023. Collection method: clinical testing. Allele origin: germline.

Labcorp Genetics (formerly Invitae), Labcorp
Classification: Uncertain significance. Last evaluated: 2022-05-03. Review status: criteria provided, single submitter. Criteria: Invitae Variant Classification Sherloc (09022015). Collection method: clinical testing. Allele origin: germline.
Comment: This sequence change replaces histidine, which is basic and polar, with tyrosine, which is neutral and polar, at codon 392 of the LAMC3 protein (p.His392Tyr). This variant is present in population databases (rs771846512, gnomAD 0.009%). This variant has not been reported in the literature in individuals affected with LAMC3-related conditions. ClinVar contains an entry for this variant (Variation ID: 975588). Algorithms developed to predict the effect of missense changes on protein structure and function are either unavailable or do not agree on the potential impact of this missense change (SIFT: "Tolerated"; PolyPhen-2: "Possibly Damaging"; Align-GVGD: "Class C0"). In summary, the available evidence is currently insufficient to determine the role of this variant in disease. Therefore, it has been classified as a Variant of Uncertain Significance.

Breakthrough Genomics
Classification: Uncertain significance. Review status: criteria provided, single submitter. Criteria: ACMG Guidelines, 2015. Collection method: not provided. Allele origin: germline. Inheritance: Autosomal recessive inheritance. Affected: yes.

Centre de Biologie Pathologie Génétique, Centre Hospitalier Universitaire de Lille
Classification: Likely benign for Intellectual disability. Last evaluated: 2019-01-01. Review status: no assertion criteria provided. Collection method: clinical testing. Allele origin: inherited. Affected: yes. Not counted in ClinVar's aggregate classification.

NM_006059.4(LAMC3):c.1174C>T (p.His392Tyr)

Gene: LAMC3 (laminin subunit gamma 3; plus strand). Cytogenetic location: 9q34.12.
Variant type: single nucleotide variant.
Coding change: c.1174C>T on transcript NM_006059.4 (MANE Select); coding-DNA position 1174, C replaced by T.
Protein change: p.His392Tyr; replaces histidine 392 with tyrosine.
Molecular consequence: missense variant.
Genome position (GRCh38, 1-based): chr9:131,039,139, C>T. VCF-style: chr9-131039139-C-T. GRCh37 (hg19) VCF-style: chr9-133914526-C-T.
Other names: short protein forms H392Y.
Identifiers: ClinVar variation 975588 (VCV000975588.8), dbSNP rs771846512, ClinGen allele CA5286980.